The following is an entry in ClinVar:

NM_006846.4(SPINK5):c.1994G>A (p.Cys665Tyr)

Gene: SPINK5 (serine peptidase inhibitor Kazal type 5; plus strand). Cytogenetic location: 5q32.
Variant type: single nucleotide variant.
Coding change: c.1994G>A on transcript NM_006846.4 (MANE Select); coding-DNA position 1994, G replaced by A.
Protein change: p.Cys665Tyr; replaces cysteine 665 with tyrosine.
Molecular consequence: missense variant.
Genome position (GRCh38, 1-based): chr5:148,114,468, G>A. VCF-style: chr5-148114468-G-A. GRCh37 (hg19) VCF-style: chr5-147494031-G-A.
Other names: c.1994G>A, p.Cys665Tyr (NM_001127698.2, NM_001127699.2); short protein forms C665Y.
Identifiers: ClinVar variation 2073939 (VCV002073939.4), dbSNP rs762476510, ClinGen allele CA3495812.
Genomic context (GRCh38, chr5:148,114,468, plus strand): 5'-TCTGCACAAGAGAAAATGATCCTGTGCGTGGCCCAGATGGCAAGACCCATGGCAACAAGT[G>A]TGCCATGTGTAAGGCAGTCTTGTGAGTGCACAAAGAAAACCACTACTGTGGGATGGTGGA-3'
Protein context (NP_006837.2, residues 655-675): GPDGKTHGNK[Cys665Tyr]AMCKAVFQKE

ClinVar aggregate classification (germline): Uncertain significance (1 of 4 stars; one submission).

Conditions:
Ichthyosis linearis circumflexa. Identifiers: MedGen C0265962, MONDO:0043106, HP:0025810.

Allele frequency attached by ClinVar (database versions not stated): ExAC 0.00002; gnomAD 0.00001; gnomAD exomes 0.00001; TOPMed below 0.00001.
gnomAD v4.1: 11 of 1,613,486 alleles (0.00068%); highest among the groups gnomAD compares: East Asian, 0.018%; no homozygotes.

Submission:

Labcorp Genetics (formerly Invitae), Labcorp
Classification: Uncertain significance for Ichthyosis linearis circumflexa. Last evaluated: 2022-04-15. Review status: criteria provided, single submitter. Criteria: Invitae Variant Classification Sherloc (09022015). Collection method: clinical testing. Allele origin: germline.
Comment: In summary, the available evidence is currently insufficient to determine the role of this variant in disease. Therefore, it has been classified as a Variant of Uncertain Significance. Algorithms developed to predict the effect of sequence changes on RNA splicing suggest that this variant may create or strengthen a splice site. Algorithms developed to predict the effect of missense changes on protein structure and function are either unavailable or do not agree on the potential impact of this missense change (SIFT: "Deleterious"; PolyPhen-2: "Probably Damaging"; Align-GVGD: "Class C0"). This variant has not been reported in the literature in individuals affected with SPINK5-related conditions. This variant is present in population databases (rs762476510, gnomAD 0.03%). This sequence change replaces cysteine, which is neutral and slightly polar, with tyrosine, which is neutral and polar, at codon 665 of the SPINK5 protein (p.Cys665Tyr).